The following is an entry in ClinVar:

ClinVar aggregate classification (germline): Conflicting classifications of pathogenicity. Review status: criteria provided, conflicting classifications (1 of 4 stars). 2 submissions from 2 submitters: Uncertain significance (1); Likely benign (1). Last evaluated 2026-04-14.

Conditions:
Familial intrahepatic cholestasis. Identifiers: Orphanet 284385, MedGen CN296401, MONDO:0017290.

Allele frequency attached by ClinVar (database versions not stated): ESP Exome Variant Server 0.00008; ExAC 0.00003; gnomAD 0.00005; TOPMed 0.00007.
gnomAD v4.1: 12 of 1,612,948 alleles (0.00074%); highest among the groups gnomAD compares: Middle Eastern, 0.016%; no homozygotes.

Submissions (2):

Genomenon, Inc
Classification: Uncertain significance for Familial intrahepatic cholestasis. Last evaluated: 2026-04-14. Review status: criteria provided, single submitter. Criteria: Genomenon Sequence Variant Interpretation Standards - Updated. Collection method: curation. Allele origin: germline. Affected: no.
Comment: ABCB11 p.Gln121Lys (c.361C>A) is a missense variant that changes the amino acid at residue 121 from Glutamine to Lysine. This variant has been reported in the published literature (PMID:22795478;19571440). It is absent or not present at a significant frequency in gnomAD. In silico models predict that this variant is not damaging. In conclusion, we classify ABCB11 p.Gln121Lys (c.361C>A) as a variant of uncertain significance.

Labcorp Genetics (formerly Invitae), Labcorp
Classification: Likely benign. Last evaluated: 2025-11-05. Review status: criteria provided, single submitter. Criteria: Invitae Variant Classification Sherloc (09022015). Collection method: clinical testing. Allele origin: germline.

Literature cited by the submitters: PubMed 22795478 (cited by Genomenon, Inc); PubMed 19571440 (cited by Genomenon, Inc).

NM_003742.4(ABCB11):c.361C>A (p.Gln121Lys)

Gene: ABCB11 (ATP binding cassette subfamily B member 11; minus strand). Cytogenetic location: 2q31.1.
Variant type: single nucleotide variant.
Coding change: c.361C>A on transcript NM_003742.4 (MANE Select); coding-DNA position 361, C replaced by A.
Protein change: p.Gln121Lys; replaces glutamine 121 with lysine.
Molecular consequence: missense variant.
Genome position (GRCh38, 1-based): chr2:169,013,300, G>T on the plus strand (C>A on the coding strand, the complement: ABCB11 is on the minus strand). VCF-style: chr2-169013300-G-T. GRCh37 (hg19) VCF-style: chr2-169869810-G-T.
Other names: short protein forms Q121K.
Identifiers: ClinVar variation 2199786 (VCV002199786.5), dbSNP rs367611268, ClinGen allele CA1951917.
Genomic context (GRCh38, chr2:169,013,300, plus strand): 5'-AAAGTAAAAAATTAAAAACAAAAACAACCTACCCACAACGTGTTCCATTTGTCATGTTCT[G>T]GTTGAGGGAACTGTTAGTCCATACAATGGTGTTATTCACACATGCTTTTCCTGGAATCTG-3'
Protein context (NP_003733.2, residues 111-131): TIVWTNSSLN[Gln121Lys]NMTNGTRCGL